The following is an entry in ClinVar:

NM_019055.6(ROBO4):c.657C>T (p.Arg219=)

Gene: ROBO4 (roundabout guidance receptor 4; minus strand). Cytogenetic location: 11q24.2.
Variant type: single nucleotide variant.
Coding change: c.657C>T on transcript NM_019055.6 (MANE Select); coding-DNA position 657, C replaced by T.
Protein change: p.Arg219=; no amino-acid change (arginine 219 retained).
Molecular consequence: synonymous variant.
Genome position (GRCh38, 1-based): chr11:124,896,220, G>A on the plus strand (C>T on the coding strand, the complement: ROBO4 is on the minus strand). VCF-style: chr11-124896220-G-A. GRCh37 (hg19) VCF-style: chr11-124766116-G-A.
Other names: c.222C>T, p.Arg74= (NM_001301088.2); c.657C>T, p.Arg219= (NM_001441183.1).
Identifiers: ClinVar variation 4822118 (VCV004822118.4).

ClinVar aggregate classification (germline): Likely benign (1 of 4 stars; one submission).

gnomAD v4.1: 14 of 1,613,956 alleles (0.00087%); highest among the groups gnomAD compares: Admixed American, 0.0083%; no homozygotes.

Submission:

CeGaT Center for Human Genetics Tuebingen
Classification: Likely benign. Last evaluated: 2026-02-01. Review status: criteria provided, single submitter. Criteria: CeGaT Center For Human Genetics Tuebingen Variant Classification Criteria Version 2. Collection method: clinical testing. Allele origin: germline. Affected: yes. Observed: 1 variant allele.
Comment: ROBO4: BP4, BP7